The following is an entry in ClinVar:

NM_006364.4(SEC23A):c.887A>G (p.Gln296Arg)

Gene: SEC23A (SEC23 homolog A, COPII component; minus strand). Cytogenetic location: 14q21.1.
Variant type: single nucleotide variant.
Coding change: c.887A>G on transcript NM_006364.4 (MANE Select); coding-DNA position 887, A replaced by G.
Protein change: p.Gln296Arg; replaces glutamine 296 with arginine.
Molecular consequence: missense variant.
Genome position (GRCh38, 1-based): chr14:39,076,035, T>C on the plus strand (A>G on the coding strand, the complement: SEC23A is on the minus strand). VCF-style: chr14-39076035-T-C. GRCh37 (hg19) VCF-style: chr14-39545239-T-C.
Other names: short protein forms Q296R.
Identifiers: ClinVar variation 4707880 (VCV004707880.1).

ClinVar aggregate classification (germline): Uncertain significance (1 of 4 stars; one submission).

Conditions:
Craniolenticulosutural dysplasia (CLSD). Also called: BOYADJIEV-JABS SYNDROME. Identifiers: Orphanet 50814, MedGen C1843042, MONDO:0011911, OMIM 607812.

gnomAD v4.1: 8 of 1,613,708 alleles (0.0005%); highest among the groups gnomAD compares: African/African-American, 0.008%; no homozygotes.

Submission:

Labcorp Genetics (formerly Invitae), Labcorp
Classification: Uncertain significance for Craniolenticulosutural dysplasia. Last evaluated: 2025-05-18. Review status: criteria provided, single submitter. Criteria: Invitae Variant Classification Sherloc (09022015). Collection method: clinical testing. Allele origin: germline.
Comment: This sequence change replaces glutamine, which is neutral and polar, with arginine, which is basic and polar, at codon 296 of the SEC23A protein (p.Gln296Arg). This variant is present in population databases (rs550270165, gnomAD 0.02%). This variant has not been reported in the literature in individuals affected with SEC23A-related conditions. Invitae Evidence Modeling of protein sequence and biophysical properties (such as structural, functional, and spatial information, amino acid conservation, physicochemical variation, residue mobility, and thermodynamic stability) indicates that this missense variant is not expected to disrupt SEC23A protein function with a negative predictive value of 80%. In summary, the available evidence is currently insufficient to determine the role of this variant in disease. Therefore, it has been classified as a Variant of Uncertain Significance.